The following is an entry in ClinVar:

NM_001377295.2(GNAT2):c.353C>T (p.Thr118Ile)

Gene: GNAT2 (G protein subunit alpha transducin 2; minus strand). Cytogenetic location: 1p13.3.
Variant type: single nucleotide variant.
Coding change: c.353C>T on transcript NM_001377295.2 (MANE Select); coding-DNA position 353, C replaced by T.
Protein change: p.Thr118Ile; replaces threonine 118 with isoleucine.
Molecular consequence: missense variant.
Genome position (GRCh38, 1-based): chr1:109,608,739, G>A on the plus strand (C>T on the coding strand, the complement: GNAT2 is on the minus strand). VCF-style: chr1-109608739-G-A. GRCh37 (hg19) VCF-style: chr1-110151361-G-A.
Other names: c.353C>T, p.Thr118Ile (NM_001379232.1, NM_005272.5); short protein forms T118I.
Identifiers: ClinVar variation 1053717 (VCV001053717.7), dbSNP rs780793773, ClinGen allele CA992443.
Genomic context (GRCh38, chr1:109,608,739, plus strand): 5'-GCTTGCACCCCACCATCCTTCCACAACCTCCTAATGACCTCCACGAGCTCAGGAGGCATG[G>A]TTCCCTCCTCAATGGAGTCAGCCAGGTTGTTGAGCTGTCGCCCGTCATCCTGTAATGCAG-3'
Protein context (NP_001364224.1, residues 108-128): NNLADSIEEG[Thr118Ile]MPPELVEVIR

ClinVar aggregate classification (germline): Uncertain significance. Review status: criteria provided, multiple submitters, no conflicts (2 of 4 stars). 2 submissions from 2 submitters: Uncertain significance (2). Last evaluated 2024-10-02.

Allele frequency attached by ClinVar (database versions not stated): gnomAD exomes 0.00006 and 0.00007; TOPMed 0.00006; ExAC 0.00007; gnomAD 0.00009 and 0.00010.
gnomAD v4.1: 122 of 1,613,034 alleles (0.0076%); highest among the groups gnomAD compares: Non-Finnish European, 0.0098%; no homozygotes.

Submissions (2):

Blueprint Genetics
Classification: Uncertain significance. Last evaluated: 2024-10-02. Review status: criteria provided, single submitter. Criteria: ACMG Guidelines, 2015. Collection method: clinical testing. Allele origin: germline.

Labcorp Genetics (formerly Invitae), Labcorp
Classification: Uncertain significance. Last evaluated: 2022-09-12. Review status: criteria provided, single submitter. Criteria: Invitae Variant Classification Sherloc (09022015). Collection method: clinical testing. Allele origin: germline.
Comment: This sequence change replaces threonine, which is neutral and polar, with isoleucine, which is neutral and non-polar, at codon 118 of the GNAT2 protein (p.Thr118Ile). This variant is present in population databases (rs780793773, gnomAD 0.01%). This variant has not been reported in the literature in individuals affected with GNAT2-related conditions. ClinVar contains an entry for this variant (Variation ID: 1053717). Advanced modeling of protein sequence and biophysical properties (such as structural, functional, and spatial information, amino acid conservation, physicochemical variation, residue mobility, and thermodynamic stability) performed at Invitae indicates that this missense variant is not expected to disrupt GNAT2 protein function. In summary, the available evidence is currently insufficient to determine the role of this variant in disease. Therefore, it has been classified as a Variant of Uncertain Significance.